The following is an entry in ClinVar:

NM_000059.4(BRCA2):c.382G>C (p.Asp128His)

Gene: BRCA2 (BRCA2 DNA repair associated; plus strand). Cytogenetic location: 13q13.1.
Variant type: single nucleotide variant.
Coding change: c.382G>C on transcript NM_000059.4 (MANE Select); coding-DNA position 382, G replaced by C.
Protein change: p.Asp128His; replaces aspartic acid 128 with histidine.
Molecular consequence: missense variant.
Genome position (GRCh38, 1-based): chr13:32,325,141, G>C. VCF-style: chr13-32325141-G-C. GRCh37 (hg19) VCF-style: chr13-32899278-G-C.
Other names: c.382G>C, p.Asp128His (NM_001406719.1, NM_001406720.1, NM_001406721.1); c.13G>C, p.Asp5His (NM_001406722.1); short protein forms D128H, D5H.
Identifiers: ClinVar variation 1735343 (VCV001735343.2), dbSNP rs2137446594, ClinGen allele CA387756657.

ClinVar aggregate classification (germline): Uncertain significance (1 of 4 stars; one submission).

Conditions:
Hereditary cancer-predisposing syndrome. Also called: Neoplastic Syndromes, Hereditary; Tumor predisposition; Hereditary Cancer Syndrome; Hereditary neoplastic syndrome. Identifiers: Orphanet 140162, MedGen C0027672, MeSH D009386, MONDO:0015356.

Submission:

Ambry Genetics
Classification: Uncertain significance for Hereditary cancer-predisposing syndrome. Last evaluated: 2022-07-25. Review status: criteria provided, single submitter. Criteria: Ambry Variant Classification Scheme 2023. Collection method: clinical testing. Allele origin: germline.
Comment: The p.D128H variant (also known as c.382G>C), located in coding exon 3 of the BRCA2 gene, results from a G to C substitution at nucleotide position 382. The aspartic acid at codon 128 is replaced by histidine, an amino acid with similar properties. This amino acid position is conserved. In addition, this alteration is predicted to be tolerated by in silico analysis. Since supporting evidence is limited at this time, the clinical significance of this alteration remains unclear.